The following is an entry in ClinVar:

ClinVar aggregate classification (germline): Uncertain significance (1 of 4 stars; one submission).

Submission:

GeneDx
Classification: Uncertain significance. Last evaluated: 2022-08-22. Review status: criteria provided, single submitter. Criteria: GeneDx Variant Classification Process June 2021. Collection method: clinical testing. Allele origin: germline. Affected: yes.
Comment: De novo variant with confirmed parentage in a patient from a large autism cohort in published literature, although clinical details were not provided (Satterstrom et al., 2020); Not observed at significant frequency in large population cohorts (gnomAD); In silico analysis supports that this missense variant has a deleterious effect on protein structure/function; This variant is associated with the following publications: (PMID: 31981491)

NM_020791.4(TAOK1):c.806G>A (p.Arg269Gln)

Gene: TAOK1 (TAO kinase 1; plus strand). Cytogenetic location: 17q11.2.
Variant type: single nucleotide variant.
Coding change: c.806G>A on transcript NM_020791.4 (MANE Select); coding-DNA position 806, G replaced by A.
Protein change: p.Arg269Gln; replaces arginine 269 with glutamine.
Molecular consequence: missense variant.
Genome position (GRCh38, 1-based): chr17:29,491,840, G>A. VCF-style: chr17-29491840-G-A. GRCh37 (hg19) VCF-style: chr17-27818858-G-A.
Other names: c.806G>A, p.Arg269Gln (NM_025142.1); short protein forms R269Q.
Identifiers: ClinVar variation 1703433 (VCV001703433.2), dbSNP rs1191085308, ClinGen allele CA399193285.